The following is an entry in ClinVar:

ClinVar aggregate classification (germline): Uncertain significance (1 of 4 stars; one submission).

Allele frequency attached by ClinVar (database versions not stated): ExAC 0.00001.

Submission:

CeGaT Center for Human Genetics Tuebingen
Classification: Uncertain significance. Last evaluated: 2022-04-01. Review status: criteria provided, single submitter. Criteria: CeGaT Center For Human Genetics Tuebingen Variant Classification Criteria Version 2. Collection method: clinical testing. Allele origin: germline. Affected: yes. Observed: 1 variant allele.
Comment: BLTP2: PM2, BP4

NM_014680.5(BLTP2):c.653C>T (p.Thr218Ile)

Gene: BLTP2 (bridge-like lipid transfer protein family member 2; minus strand). Cytogenetic location: 17q11.2.
Variant type: single nucleotide variant.
Coding change: c.653C>T on transcript NM_014680.5 (MANE Select); coding-DNA position 653, C replaced by T.
Protein change: p.Thr218Ile; replaces threonine 218 with isoleucine.
Molecular consequence: missense variant. On other transcripts: 5 prime UTR variant (3).
Genome position (GRCh38, 1-based): chr17:28,642,002, G>A on the plus strand (C>T on the coding strand, the complement: BLTP2 is on the minus strand). VCF-style: chr17-28642002-G-A. GRCh37 (hg19) VCF-style: chr17-26969020-G-A.
Other names: c.653C>T, p.Thr218Ile (NM_001321560.2, NM_001321561.2); c.224C>T, p.Thr75Ile (NM_001363826.1); c.-367C>T (NM_001363827.1); c.-1167C>T (NM_001363828.1); c.-1541C>T (NM_001363829.1); short protein forms T218I, T75I.
Identifiers: ClinVar variation 2647595 (VCV002647595.24), dbSNP rs767250104, ClinGen allele CA8463771.